The following is an entry in ClinVar:

ClinVar aggregate classification (germline): Uncertain significance. Review status: criteria provided, multiple submitters, no conflicts (2 of 4 stars). 3 submissions from 3 submitters: Uncertain significance (3). Last evaluated 2024-09-09.

Conditions:
Hereditary cancer-predisposing syndrome. Also called: Tumor predisposition; Hereditary Cancer Syndrome; Hereditary neoplastic syndrome; Neoplastic Syndromes, Hereditary. Identifiers: Orphanet 140162, MedGen C0027672, MeSH D009386, MONDO:0015356.
Familial adenomatous polyposis 2. Also called: FAP type 2; MUTYH Polyposis; COLORECTAL ADENOMATOUS POLYPOSIS, AUTOSOMAL RECESSIVE; ADENOMAS, MULTIPLE COLORECTAL, AUTOSOMAL RECESSIVE; MUTYH-associated polyposis; MUTYH-related attenuated familial adenomatous polyposis. Identifiers: Orphanet 220460, Orphanet 247798, MedGen C3272841, MONDO:0012041, OMIM 608456.

Allele frequency attached by ClinVar (database versions not stated): gnomAD exomes below 0.00001.

Submissions (3):

Ambry Genetics
Classification: Uncertain significance for Hereditary cancer-predisposing syndrome. Last evaluated: 2024-09-09. Review status: criteria provided, single submitter. Criteria: Ambry Variant Classification Scheme 2023. Collection method: clinical testing. Allele origin: germline.
Comment: The p.D277N variant (also known as c.829G>A), located in coding exon 10 of the MUTYH gene, results from a G to A substitution at nucleotide position 829. The aspartic acid at codon 277 is replaced by asparagine, an amino acid with highly similar properties. This amino acid position is well conserved in available vertebrate species. In addition, the in silico prediction for this alteration is inconclusive. Since supporting evidence is limited at this time, the clinical significance of this alteration remains unclear.

Color Diagnostics, LLC DBA Color Health
Classification: Uncertain significance for Hereditary cancer-predisposing syndrome. Last evaluated: 2024-03-10. Review status: criteria provided, single submitter. Criteria: ACMG Guidelines, 2015. Collection method: clinical testing. Allele origin: germline.
Comment: This missense variant replaces aspartic acid with asparagine at codon 277 of the MUTYH protein. Computational prediction suggests that this variant may have deleterious impact on protein structure and function (internally defined REVEL score threshold >= 0.7, PMID: 27666373). To our knowledge, functional studies have not been reported for this variant. This variant has not been reported in individuals affected with MUTYH-related disorders in the literature. This variant has not been identified in the general population by the Genome Aggregation Database (gnomAD). The available evidence is insufficient to determine the role of this variant in disease conclusively. Therefore, this variant is classified as a Variant of Uncertain Significance.

Labcorp Genetics (formerly Invitae), Labcorp
Classification: Uncertain significance for Familial adenomatous polyposis 2. Last evaluated: 2022-02-18. Review status: criteria provided, single submitter. Criteria: Invitae Variant Classification Sherloc (09022015). Collection method: clinical testing. Allele origin: germline.
Comment: This sequence change replaces aspartic acid, which is acidic and polar, with asparagine, which is neutral and polar, at codon 277 of the MUTYH protein (p.Asp277Asn). This variant is not present in population databases (gnomAD no frequency). This variant has not been reported in the literature in individuals affected with MUTYH-related conditions. ClinVar contains an entry for this variant (Variation ID: 827563). Algorithms developed to predict the effect of missense changes on protein structure and function are either unavailable or do not agree on the potential impact of this missense change (SIFT: "Deleterious"; PolyPhen-2: "Probably Damaging"; Align-GVGD: "Class C15"). In summary, the available evidence is currently insufficient to determine the role of this variant in disease. Therefore, it has been classified as a Variant of Uncertain Significance.

NM_001048174.2(MUTYH):c.745G>A (p.Asp249Asn)

Gene: MUTYH (mutY DNA glycosylase; minus strand). Cytogenetic location: 1p34.1.
Variant type: single nucleotide variant.
Coding change: c.745G>A on transcript NM_001048174.2 (MANE Select); coding-DNA position 745, G replaced by A.
Protein change: p.Asp249Asn; replaces aspartic acid 249 with asparagine.
Molecular consequence: missense variant. On other transcripts: non-coding transcript variant (2).
Genome position (GRCh38, 1-based): chr1:45,332,270, C>T on the plus strand (G>A on the coding strand, the complement: MUTYH is on the minus strand). VCF-style: chr1-45332270-C-T. GRCh37 (hg19) VCF-style: chr1-45797942-C-T.
Other names: c.745G>A, p.Asp249Asn (NM_001048171.2, NM_001048173.2, NM_001293195.2); c.748G>A, p.Asp250Asn (NM_001048172.2); c.829G>A, p.Asp277Asn (NM_001128425.2); c.790G>A, p.Asp264Asn (NM_001293190.2); c.778G>A, p.Asp260Asn (NM_001293191.2); c.469G>A, p.Asp157Asn (NM_001293192.2, NM_001293196.2); c.400G>A, p.Asp134Asn (NM_001350650.2, NM_001350651.2); c.820G>A, p.Asp274Asn (NM_012222.3); short protein forms D250N, D260N, D134N, D157N, D264N, D277N, D249N, D274N.
Identifiers: ClinVar variation 827563 (VCV000827563.11), dbSNP rs1553127779, ClinGen allele CA340134654.